The following is an entry in ClinVar:

ClinVar aggregate classification (germline): Likely benign. Review status: criteria provided, multiple submitters, no conflicts (2 of 4 stars). 2 submissions from 2 submitters: Likely benign (2). Last evaluated 2018-03-26.

Conditions:
Koolen-de Vries syndrome (KDVS). Identifiers: Orphanet 96169, MedGen C1864871, MONDO:0012496, OMIM 610443.

Allele frequency attached by ClinVar (database versions not stated): TOPMed 0.00001; gnomAD exomes 0.00002 and 0.00003; ExAC 0.00007.
gnomAD v4.1: 11 of 1,591,586 alleles (0.00069%); highest among the groups gnomAD compares: Admixed American, 0.017%; no homozygotes.

Submissions (2):

Labcorp Genetics (formerly Invitae), Labcorp
Classification: Likely benign for Koolen-de Vries syndrome. Last evaluated: 2018-03-26. Review status: criteria provided, single submitter. Criteria: Invitae Variant Classification Sherloc (09022015). Collection method: clinical testing. Allele origin: germline.

GeneDx
Classification: Likely benign. Last evaluated: 2018-01-11. Review status: criteria provided, single submitter. Criteria: GeneDx Variant Classification (06012015). Collection method: clinical testing. Allele origin: germline. Affected: yes.
Comment: This variant is considered likely benign or benign based on one or more of the following criteria: it is a conservative change, it occurs at a poorly conserved position in the protein, it is predicted to be benign by multiple in silico algorithms, and/or has population frequency not consistent with disease.

NM_015443.4(KANSL1):c.387A>G (p.Pro129=)

Gene: KANSL1 (KAT8 regulatory NSL complex subunit 1). Cytogenetic location: 17q21.31.
Variant type: single nucleotide variant.
Coding change: c.387A>G on transcript NM_015443.4 (MANE Select); coding-DNA position 387, A replaced by G.
Protein change: p.Pro129=; no amino-acid change (proline 129 retained).
Molecular consequence: synonymous variant.
Genome position (GRCh38, 1-based): chr17:46,171,757, T>C on the plus strand (A>G on the coding strand, the complement: KANSL1 is on the minus strand). VCF-style: chr17-46171757-T-C. GRCh37 (hg19) VCF-style: chr17-44249123-T-C.
Other names: c.387A>G, p.Pro129= (NM_001193465.2, NM_001193466.2, NM_001379198.1).
Identifiers: ClinVar variation 514667 (VCV000514667.10), dbSNP rs753493307, ClinGen allele CA8619060.